The following is an entry in ClinVar:

ClinVar aggregate classification (germline): Pathogenic. Review status: reviewed by expert panel (3 of 4 stars). 5 submissions from 5 submitters: Pathogenic (1). 4 of the submissions do not count toward it. Last evaluated 2016-09-08.

Conditions:
Hereditary cancer-predisposing syndrome. Also called: Neoplastic Syndromes, Hereditary; Tumor predisposition; Hereditary neoplastic syndrome; Hereditary Cancer Syndrome. Identifiers: Orphanet 140162, MedGen C0027672, MeSH D009386, MONDO:0015356.
Breast-ovarian cancer, familial, susceptibility to, 2 (BROVCA2). Also called: BRCA2 Hereditary Breast and Ovarian Cancer. Identifiers: Orphanet 145, MedGen C2675520, MONDO:0012933, OMIM 612555. Disease mechanism: loss of function.

Submissions (5):

Evidence-based Network for the Interpretation of Germline Mutant Alleles (ENIGMA)
Classification: Pathogenic for Breast-ovarian cancer, familial, susceptibility to, 2. Last evaluated: 2016-09-08. Review status: reviewed by expert panel. Criteria: ENIGMA BRCA1/2 Classification Criteria (2015). Collection method: curation. Allele origin: germline.
Comment: Variant allele predicted to encode a truncated non-functional protein.

Ambry Genetics
Classification: Pathogenic for Hereditary cancer-predisposing syndrome. Last evaluated: 2022-06-13. Review status: criteria provided, single submitter. Criteria: Ambry Variant Classification Scheme 2023. Collection method: clinical testing. Allele origin: germline. Not counted in ClinVar's aggregate classification.
Comment: The c.9157delG pathogenic mutation, located in coding exon 23 of the BRCA2 gene, results from a deletion of one nucleotide at nucleotide position 9157, causing a translational frameshift with a predicted alternate stop codon (p.E3053Sfs*9). This mutation has been detected in cohorts of ovarian and prostate cancer patients from the United Kingdom (Ramus SJ et al. Hum Mutat, 2007 Dec;28:1207-15; Nyberg T et al. Eur Urol, 2020 10;78:494-497). This mutation has also been identified in a large, worldwide study of BRCA1/2 mutation positive families (Rebbeck TR et al. Hum Mutat, 2018 05;39:593-620). In addition to the clinical data presented in the literature, this alteration is expected to result in loss of function by premature protein truncation or nonsense-mediated mRNA decay. As such, this alteration is interpreted as a disease-causing mutation.

GeneDx
Classification: Pathogenic. Last evaluated: 2022-02-04. Review status: criteria provided, single submitter. Criteria: GeneDx Variant Classification Process June 2021. Collection method: clinical testing. Allele origin: germline. Affected: yes. Not counted in ClinVar's aggregate classification.
Comment: Observed in a family with ovarian cancer (Ramus 2007); Frameshift variant predicted to result in protein truncation or nonsense mediated decay in a gene for which loss-of-function is a known mechanism of disease; Truncating variants in this gene are considered pathogenic by a well-established clinical consortium and/or database; Not observed at significant frequency in large population cohorts (gnomAD); Also known as 9385del; This variant is associated with the following publications: (PMID: 17688236)

Consortium of Investigators of Modifiers of BRCA1/2 (CIMBA), c/o University of Cambridge
Classification: Pathogenic for Breast-ovarian cancer, familial, susceptibility to, 2. Last evaluated: 2015-10-02. Review status: criteria provided, single submitter. Criteria: CIMBA Mutation Classification guidelines May 2016. Collection method: clinical testing. Allele origin: germline. Not counted in ClinVar's aggregate classification.

Breast Cancer Information Core (BIC) (BRCA2)
Classification: Pathogenic for Breast-ovarian cancer, familial 2. Last evaluated: 2007-01-18. Review status: no assertion criteria provided. Collection method: clinical testing. Allele origin: germline. Affected: yes. Observed: 1 variant allele. Not counted in ClinVar's aggregate classification.

Literature cited by the submitters: PubMed 17688236 (cited by Ambry Genetics); PubMed 29446198 (cited by Ambry Genetics); PubMed 32532514 (cited by Ambry Genetics).

NM_000059.4(BRCA2):c.9157del (p.Glu3053fs)

Gene: BRCA2 (BRCA2 DNA repair associated; plus strand). Cytogenetic location: 13q13.1.
Variant type: Deletion.
Coding change: c.9157del on transcript NM_000059.4 (MANE Select); coding-DNA position 9157, one base deleted (G; older notation c.9157delG).
Protein change: p.Glu3053fs; shifts the reading frame from glutamic acid 3053.
Molecular consequence: frameshift variant.
Genome position (GRCh38, 1-based): chr13:32,380,046, G deleted; the last of 3 consecutive G bases (chr13:32,380,044-32,380,046); deleting any one gives the same sequence. VCF-style (leftmost placement, unchanged base first): chr13-32380043-CG-C. GRCh37 (hg19) VCF-style: chr13-32954180-CG-C.
Other names: 9385delG; c.9157delG (NM_000059.3).
Identifiers: ClinVar variation 52764 (VCV000052764.9), dbSNP rs80359750, ClinGen allele CA026008.